The following is an entry in ClinVar:

NM_000443.4(ABCB4):c.1667T>G (p.Leu556Arg)

Gene: ABCB4 (ATP binding cassette subfamily B member 4; minus strand). Cytogenetic location: 7q21.12.
Variant type: single nucleotide variant.
Coding change: c.1667T>G on transcript NM_000443.4 (MANE Select); coding-DNA position 1667, T replaced by G.
Protein change: p.Leu556Arg; replaces leucine 556 with arginine.
Molecular consequence: missense variant.
Genome position (GRCh38, 1-based): chr7:87,439,731, A>C on the plus strand (T>G on the coding strand, the complement: ABCB4 is on the minus strand). VCF-style: chr7-87439731-A-C. GRCh37 (hg19) VCF-style: chr7-87069047-A-C.
Other names: c.1667T>G, p.Leu556Arg (NM_018849.3, NM_018850.3); short protein forms L556R.
Identifiers: ClinVar variation 4846539 (VCV004846539.1).

ClinVar aggregate classification (germline): Likely pathogenic (1 of 4 stars; one submission).

Conditions:
Familial intrahepatic cholestasis. Identifiers: Orphanet 284385, MedGen CN296401, MONDO:0017290.

Submission:

Genomenon, Inc
Classification: Likely pathogenic for Familial intrahepatic cholestasis. Last evaluated: 2026-04-14. Review status: criteria provided, single submitter. Criteria: Genomenon Sequence Variant Interpretation Standards - Updated. Collection method: curation. Allele origin: germline. Affected: yes.
Comment: ABCB4 p.Leu556Arg (c.1667T>G) is a missense variant that changes the amino acid at residue 556 from Leucine to Arginine. This variant has been observed in at least one proband with an ABCB4-related disorder (PMID:11313315). At least one functional study has demonstrated a substantial alteration in protein function relative to the wild-type (PMID:39048674;33650203;31040306;26474921). It is absent or not present at a significant frequency in gnomAD. In silico models predict that this variant is possibly or probably damaging. In conclusion, we classify ABCB4 p.Leu556Arg (c.1667T>G) as a likely pathogenic variant.

Literature cited by the submitters: PubMed 11313315; PubMed 39048674; PubMed 33650203; PubMed 31040306; PubMed 26474921.